The following is an entry in ClinVar:

NM_006516.4(SLC2A1):c.680-10G>T

Gene: SLC2A1 (solute carrier family 2 member 1; minus strand). Cytogenetic location: 1p34.2.
Variant type: single nucleotide variant.
Coding change: c.680-10G>T on transcript NM_006516.4 (MANE Select); 10 bases into the intron before coding-DNA position 680, G replaced by T.
Molecular consequence: intron variant.
Genome position (GRCh38, 1-based): chr1:42,929,790, C>A on the plus strand (G>T on the coding strand, the complement: SLC2A1 is on the minus strand). VCF-style: chr1-42929790-C-A. GRCh37 (hg19) VCF-style: chr1-43395461-C-A.
Identifiers: ClinVar variation 159926 (VCV000159926.20), dbSNP rs587784394, ClinGen allele CA019268.
Genomic context (GRCh38, chr1:42,929,790, plus strand): 5'-TCTCCTGCAGGTCATGGGTCACGTCAGCTGTCCCGCGCAGCTTCTTTAGCACTGGGGGGA[C>A]CGGAGGGAAGGTGAGGGTGGCTCAGAGTGGGAAGAAGGCCAGGGCTCAGGGAGTGGGGAG-3'

ClinVar aggregate classification (germline): Conflicting classifications of pathogenicity. Review status: criteria provided, conflicting classifications (1 of 4 stars). 5 submissions from 4 submitters: Uncertain significance (1); Likely benign (4). Last evaluated 2025-10-20.

Conditions:
GLUT1 deficiency syndrome 1, autosomal recessive. Identifiers: MedGen C3149117.
Dystonia 9 (DYT9). Also called: CHOREOATHETOSIS, KINESIGENIC, WITH EPISODIC ATAXIA AND SPASTICITY. Identifiers: Orphanet 53583, MedGen C1832855, MONDO:0010983, OMIM 601042.
Encephalopathy due to GLUT1 deficiency. Also called: Glucose transporter protein syndrome; GLUCOSE TRANSPORT DEFECT, BLOOD-BRAIN BARRIER; De Vivo disease; GLUT1 deficiency syndrome 1; GLUT1 deficiency syndrome 1, infantile onset, severe; Classic Glucose Transporter Type 1 Deficiency Syndrome. Identifiers: Orphanet 71277, MedGen C4551966, MONDO:0011724, OMIM 606777.

Allele frequency attached by ClinVar (database versions not stated): gnomAD 0.00001; gnomAD exomes 0.00002; TOPMed 0.00002; ExAC 0.00004.
gnomAD v4.1: 37 of 1,614,002 alleles (0.0023%); highest among the groups gnomAD compares: Non-Finnish European, 0.0031%; no homozygotes.

Submissions (5):

Labcorp Genetics (formerly Invitae), Labcorp
Classification: Likely benign for GLUT1 deficiency syndrome 1, autosomal recessive. Last evaluated: 2025-10-20. Review status: criteria provided, single submitter. Criteria: Invitae Variant Classification Sherloc (09022015). Collection method: clinical testing. Allele origin: germline.

GeneDx
Classification: Likely benign. Last evaluated: 2018-02-02. Review status: criteria provided, single submitter. Criteria: GeneDx Variant Classification (06012015). Collection method: clinical testing. Allele origin: germline. Affected: yes.
Comment: This variant is considered likely benign or benign based on one or more of the following criteria: it is a conservative change, it occurs at a poorly conserved position in the protein, it is predicted to be benign by multiple in silico algorithms, and/or has population frequency not consistent with disease.

Illumina Laboratory Services, Illumina
Classification: Likely benign for Encephalopathy due to GLUT1 deficiency. Last evaluated: 2018-01-12. Review status: criteria provided, single submitter. Criteria: ICSL Variant Classification Criteria 13 December 2019. Collection method: clinical testing. Allele origin: germline.
Comment: This variant was observed in the ICSL laboratory as part of a predisposition screen in an ostensibly healthy population. It had not been previously curated by ICSL or reported in the Human Gene Mutation Database (HGMD: prior to June 1st, 2018), and was therefore a candidate for classification through an automated scoring system. Utilizing variant allele frequency, disease prevalence and penetrance estimates, and inheritance mode, an automated score was calculated to assess if this variant is too frequent to cause the disease. Based on the score and internal cut-off values, a variant classified as likely benign is not then subjected to further curation. The score for this variant resulted in a classification of likely benign for this disease.

Illumina Laboratory Services, Illumina
Classification: Likely benign for Dystonia 9. Last evaluated: 2018-01-12. Review status: criteria provided, single submitter. Criteria: ICSL Variant Classification Criteria 13 December 2019. Collection method: clinical testing. Allele origin: germline.
Comment: the same text as in the submission from Illumina Laboratory Services, Illumina above.

Genetic Services Laboratory, University of Chicago
Classification: Uncertain significance for GLUT1 deficiency syndrome 1. Last evaluated: 2013-03-18. Review status: criteria provided, single submitter. Criteria: ACMG Guidelines, 2007. Collection method: clinical testing. Allele origin: germline. Inheritance: Autosomal dominant inheritance.